The following is an entry in ClinVar:

NM_000348.4(SRD5A2):c.564del (p.Thr187_Tyr188insTer)

Gene: SRD5A2 (steroid 5 alpha-reductase 2; minus strand). Cytogenetic location: 2p23.1.
Variant type: Deletion.
Coding change: c.564del on transcript NM_000348.4 (MANE Select); coding-DNA position 564, one base deleted (T; older notation c.564delT).
Protein change: p.Thr187_Tyr188insTer.
Molecular consequence: nonsense.
Genome position (GRCh38, 1-based): chr2:31,529,441, A deleted on the plus strand (T on the coding strand, the reverse complement: SRD5A2 is on the minus strand). VCF-style (leftmost placement, unchanged base first): chr2-31529440-CA-C. GRCh37 (hg19) VCF-style: chr2-31754510-CA-C.
Identifiers: ClinVar variation 2756480 (VCV002756480.3), dbSNP rs2465625779, ClinGen allele CA2697547973.

ClinVar aggregate classification (germline): Pathogenic (1 of 4 stars; one submission).

Conditions:
3-Oxo-5 alpha-steroid delta 4-dehydrogenase deficiency (PPSH). Also called: FAMILIAL INCOMPLETE MALE PSEUDOHERMAPHRODITISM, TYPE 2; MALE PSEUDOHERMAPHRODITISM DUE TO 5-ALPHA-REDUCTASE DEFICIENCY; PSEUDOVAGINAL PERINEOSCROTAL HYPOSPADIAS; 46,XY disorder of sex development due to 5-alpha-reductase 2 deficiency. Identifiers: Orphanet 753, MedGen C0268297, MONDO:0009923, OMIM 264600. Disease mechanism: loss of function.

Submission:

Labcorp Genetics (formerly Invitae), Labcorp
Classification: Pathogenic for 3-Oxo-5 alpha-steroid delta 4-dehydrogenase deficiency. Last evaluated: 2023-08-30. Review status: criteria provided, single submitter. Criteria: Invitae Variant Classification Sherloc (09022015). Collection method: clinical testing. Allele origin: germline.
Comment: This variant has not been reported in the literature in individuals affected with SRD5A2-related conditions. This sequence change creates a premature translational stop signal (p.Tyr188*) in the SRD5A2 gene. It is expected to result in an absent or disrupted protein product. Loss-of-function variants in SRD5A2 are known to be pathogenic (PMID: 1406794, 1944596). This variant is not present in population databases (gnomAD no frequency). Algorithms developed to predict the effect of sequence changes on RNA splicing suggest that this variant may disrupt the consensus splice site. For these reasons, this variant has been classified as Pathogenic.

Literature cited by the submitters: PubMed 1406794; PubMed 1944596.